The following is an entry in ClinVar:

ClinVar aggregate classification (germline): Uncertain significance. Review status: criteria provided, multiple submitters, no conflicts (2 of 4 stars). 3 submissions from 3 submitters: Uncertain significance (3). Last evaluated 2025-10-16.

Allele frequency attached by ClinVar (database versions not stated): gnomAD exomes below 0.00001 and 0.00007; TOPMed 0.00005; gnomAD 0.00006; ESP Exome Variant Server 0.00015.
gnomAD v4.1: 126 of 1,613,890 alleles (0.0078%); highest among the groups gnomAD compares: Non-Finnish European, 0.0094%; no homozygotes.

Submissions (3):

Labcorp Genetics (formerly Invitae), Labcorp
Classification: Uncertain significance. Last evaluated: 2025-10-16. Review status: criteria provided, single submitter. Criteria: Invitae Variant Classification Sherloc (09022015). Collection method: clinical testing. Allele origin: germline.
Comment: This sequence change replaces threonine, which is neutral and polar, with alanine, which is neutral and non-polar, at codon 76 of the IMPG1 protein (p.Thr76Ala). This variant is not present in population databases (gnomAD no frequency). This missense change has been observed in individual(s) with clinical features of autosomal dominant inherited retinal dystrophy (internal data). ClinVar contains an entry for this variant (Variation ID: 941596). An algorithm developed to predict the effect of missense changes on protein structure and function outputs the following: PolyPhen-2: "Benign". The alanine amino acid residue is found in multiple mammalian species, which suggests that this missense change does not adversely affect protein function. In summary, the available evidence is currently insufficient to determine the role of this variant in disease. Therefore, it has been classified as a Variant of Uncertain Significance.

Ambry Genetics
Classification: Uncertain significance. Last evaluated: 2024-11-10. Review status: criteria provided, single submitter. Criteria: Ambry Variant Classification Scheme 2023. Collection method: clinical testing. Allele origin: germline.

Blueprint Genetics
Classification: Uncertain significance. Last evaluated: 2022-01-14. Review status: criteria provided, single submitter. Criteria: ACMG Guidelines, 2015. Collection method: clinical testing. Allele origin: germline.

NM_001563.4(IMPG1):c.226A>G (p.Thr76Ala)

Gene: IMPG1 (interphotoreceptor matrix proteoglycan 1; minus strand). Cytogenetic location: 6q14.1.
Variant type: single nucleotide variant.
Coding change: c.226A>G on transcript NM_001563.4 (MANE Select); coding-DNA position 226, A replaced by G.
Protein change: p.Thr76Ala; replaces threonine 76 with alanine.
Molecular consequence: missense variant. On other transcripts: intron variant (1).
Genome position (GRCh38, 1-based): chr6:76,041,968, T>C on the plus strand (A>G on the coding strand, the complement: IMPG1 is on the minus strand). VCF-style: chr6-76041968-T-C. GRCh37 (hg19) VCF-style: chr6-76751685-T-C.
Other names: c.226A>G (NM_001563.2); c.68-7181A>G (NM_001282368.2); short protein forms T76A.
Identifiers: ClinVar variation 941596 (VCV000941596.9), dbSNP rs141201320, ClinGen allele CA141676658.